The following is an entry in ClinVar:

ClinVar aggregate classification (germline): Likely pathogenic (1 of 4 stars; one submission).

Conditions:
MECOM-associated syndrome. Identifiers: MedGen CN305607, MONDO:0100458.

Submission:

Wendy Chung Laboratory, Boston Children's Hospital
Classification: Likely pathogenic for MECOM-associated syndrome. Last evaluated: 2025-04-30. Review status: criteria provided, single submitter. Criteria: ACMG Guidelines, 2015. Collection method: research. Allele origin: de novo. Affected: yes. Observed: 1 variant allele.
Comment: NM_0004991.4:c.2873T>C; p.(Phe958Ser) is a DNA single thymine to cytosine base substitution missense variant. The variant is absent from gnomAD v.4.1 (PM2_supporting). The variant occurred de novo (PS2) and is located in a conserved zinc finger domain (PMID: 19767769) (PM1). MECOM has a low rate of benign missense variation and missense variants are a common mechanism of MECOM-associated syndrome (PP2). Multiple lines of compuational evidence supprt a deleterious effect (AlphaMissense = 1, CADD = 32) (PP3).

Literature cited by the submitters: PubMed 19767769.

NM_004991.4(MECOM):c.2873T>C (p.Phe958Ser)

Gene: MECOM (MDS1 and EVI1 complex locus; minus strand). Cytogenetic location: 3q26.2.
Variant type: single nucleotide variant.
Coding change: c.2873T>C on transcript NM_004991.4 (MANE Select); coding-DNA position 2873, T replaced by C.
Protein change: p.Phe958Ser; replaces phenylalanine 958 with serine.
Molecular consequence: missense variant.
Genome position (GRCh38, 1-based): chr3:169,095,222, A>G on the plus strand (T>C on the coding strand, the complement: MECOM is on the minus strand). VCF-style: chr3-169095222-A-G. GRCh37 (hg19) VCF-style: chr3-168813010-A-G.
Other names: c.2504T>C, p.Phe835Ser (NM_001105077.4); c.2309T>C, p.Phe770Ser (NM_001105078.4, NM_001205194.2, NM_001366469.2 and 1 more transcripts); c.2285T>C, p.Phe762Ser (NM_001163999.2, NM_001366470.2); c.2282T>C, p.Phe761Ser (NM_001164000.2, NM_001366471.2, NM_001366472.2); c.2846T>C, p.Phe949Ser (NM_001366466.2); c.2312T>C, p.Phe771Ser (NM_001366467.2, NM_001366468.2); c.1874T>C, p.Phe625Ser (NM_001366473.2); c.1310T>C, p.Phe437Ser (NM_001366474.2); short protein forms F437S, F625S, F761S, F762S, F770S, F771S, F835S, F949S.
Identifiers: ClinVar variation 3900737 (VCV003900737.1).